The following is an entry in ClinVar:

ClinVar aggregate classification (germline): Pathogenic. Review status: criteria provided, multiple submitters, no conflicts (2 of 4 stars). 2 submissions from 2 submitters: Pathogenic (2). Last evaluated 2025-10-24.

Conditions:
Hereditary nonpolyposis colorectal neoplasms. Identifiers: MedGen C0009405, MeSH D003123.

Submissions (2):

Quest Diagnostics Nichols Institute San Juan Capistrano
Classification: Pathogenic. Last evaluated: 2025-10-24. Review status: criteria provided, single submitter. Criteria: Quest Diagnostics criteria. Collection method: clinical testing. Allele origin: unknown.
Comment: The MSH6 c.1690dup (p.Ser564Phefs*13) variant alters the translational reading frame of the MSH6 mRNA and causes the premature termination of MSH6 protein synthesis. This variant has not been reported in individuals with MSH6-related conditions in the published literature. This variant has not been reported in large, multi-ethnic general populations (Genome Aggregation Database). Based on the available information, this variant is classified as pathogenic .

Labcorp Genetics (formerly Invitae), Labcorp
Classification: Pathogenic for Hereditary nonpolyposis colorectal neoplasms. Last evaluated: 2022-11-29. Review status: criteria provided, single submitter. Criteria: Invitae Variant Classification Sherloc (09022015). Collection method: clinical testing. Allele origin: germline.
Comment: This variant is not present in population databases (gnomAD no frequency). This sequence change creates a premature translational stop signal (p.Ser564Phefs*13) in the MSH6 gene. It is expected to result in an absent or disrupted protein product. Loss-of-function variants in MSH6 are known to be pathogenic (PMID: 18269114, 24362816). For these reasons, this variant has been classified as Pathogenic. This variant has not been reported in the literature in individuals affected with MSH6-related conditions.

Literature cited by the submitters: PubMed 18269114 (cited by Labcorp Genetics (formerly Invitae), Labcorp); PubMed 24362816 (cited by Labcorp Genetics (formerly Invitae), Labcorp).

NM_000179.3(MSH6):c.1690dup (p.Ser564fs)

Gene: MSH6 (mutS homolog 6; plus strand). Cytogenetic location: 2p16.3.
Variant type: Duplication.
Coding change: c.1690dup on transcript NM_000179.3 (MANE Select); coding-DNA position 1690, one base duplicated (T; older notation c.1690dupT).
Protein change: p.Ser564fs; shifts the reading frame from serine 564.
Molecular consequence: frameshift variant.
Genome position (GRCh38, 1-based): chr2:47,799,673, T duplicated; the last of 2 consecutive T bases (chr2:47,799,672-47,799,673); duplicating either gives the same sequence. VCF-style (leftmost placement, unchanged base first): chr2-47799671-C-CT. GRCh37 (hg19) VCF-style: chr2-48026810-C-CT.
Other names: c.784dup, p.Ser262fs (NM_001281493.2, NM_001281494.2); c.1786dup, p.Ser596Phefs (NM_001406795.1, NM_001406802.1); c.1690dup, p.Ser564Phefs (NM_001406796.1, NM_001406798.1, NM_001406800.1 and 3 more transcripts); c.1393dup, p.Ser465Phefs (NM_001406797.1, NM_001406801.1, NM_001406805.1 and 10 more transcripts); c.1165dup, p.Ser389Phefs (NM_001406799.1, NM_001406806.1, NM_001406807.1); c.1612dup, p.Ser538Phefs (NM_001406804.1); c.784dup, p.Ser262Phefs (NM_001406811.1, NM_001406812.1, NM_001406814.1 and 4 more transcripts); c.1696dup, p.Ser566Phefs (NM_001406813.1); and 2 more; short protein forms S564fs, S262fs, S434fs.
Identifiers: ClinVar variation 2014534 (VCV002014534.5), dbSNP rs2530624885, ClinGen allele CA2580067672.